The following is an entry in ClinVar:

NM_001277115.2(DNAH11):c.7643A>G (p.Gln2548Arg)

Gene: DNAH11 (dynein axonemal heavy chain 11; plus strand). Cytogenetic location: 7p15.3.
Variant type: single nucleotide variant.
Coding change: c.7643A>G on transcript NM_001277115.2 (MANE Select); coding-DNA position 7643, A replaced by G.
Protein change: p.Gln2548Arg; replaces glutamine 2548 with arginine.
Molecular consequence: missense variant.
Genome position (GRCh38, 1-based): chr7:21,735,842, A>G. VCF-style: chr7-21735842-A-G. GRCh37 (hg19) VCF-style: chr7-21775460-A-G.
Other names: short protein forms Q2548R.
Identifiers: ClinVar variation 410881 (VCV000410881.7), dbSNP rs757926745, ClinGen allele CA4181297.

ClinVar aggregate classification (germline): Uncertain significance. Review status: criteria provided, multiple submitters, no conflicts (2 of 4 stars). 2 submissions from 2 submitters: Uncertain significance (2). Last evaluated 2025-10-11.

Conditions:
Primary ciliary dyskinesia. Also called: Ciliary dyskinesia. Identifiers: Orphanet 244, MedGen C0008780, MONDO:0016575, HP:0012265.

Allele frequency attached by ClinVar (database versions not stated): ExAC 0.00001; gnomAD 0.00001; gnomAD exomes 0.00001; TOPMed 0.00001.
gnomAD v4.1: 15 of 1,600,184 alleles (0.00094%); highest among the groups gnomAD compares: Admixed American, 0.0017%; no homozygotes.

Submissions (2):

GeneDx
Classification: Uncertain significance. Last evaluated: 2025-10-11. Review status: criteria provided, single submitter. Criteria: GeneDx Variant Classification Process June 2021. Collection method: clinical testing. Allele origin: germline. Affected: yes.
Comment: Not observed at significant frequency in large population cohorts (gnomAD); In silico analysis supports that this missense variant has a deleterious effect on protein structure/function; Has not been previously published as pathogenic or benign to our knowledge

Labcorp Genetics (formerly Invitae), Labcorp
Classification: Uncertain significance for Primary ciliary dyskinesia. Last evaluated: 2021-08-31. Review status: criteria provided, single submitter. Criteria: Invitae Variant Classification Sherloc (09022015). Collection method: clinical testing. Allele origin: germline.